The following is an entry in ClinVar:

NM_000059.4(BRCA2):c.5364C>A (p.Ser1788=)

Gene: BRCA2 (BRCA2 DNA repair associated; plus strand). Cytogenetic location: 13q13.1.
Variant type: single nucleotide variant.
Coding change: c.5364C>A on transcript NM_000059.4 (MANE Select); coding-DNA position 5364, C replaced by A.
Protein change: p.Ser1788=; no amino-acid change (serine 1788 retained).
Molecular consequence: synonymous variant.
Genome position (GRCh38, 1-based): chr13:32,339,719, C>A. VCF-style: chr13-32339719-C-A. GRCh37 (hg19) VCF-style: chr13-32913856-C-A.
Identifiers: ClinVar variation 753708 (VCV000753708.13), dbSNP rs1023705162, ClinGen allele CA483438642.
Genomic context (GRCh38, chr13:32,339,719, plus strand): 5'-TGATTCTGGTATTGAGCCAGTATTGAAGAATGTTGAAGATCAAAAAAACACTAGTTTTTC[C>A]AAAGTAATATCCAATGTAAAAGATGCAAATGCATACCCACAAACTGTAAATGAAGATATT-3'
Protein context (NP_000050.3, residues 1778-1798): NVEDQKNTSF[Ser1788=]KVISNVKDAN

ClinVar aggregate classification (germline): Conflicting classifications of pathogenicity. Review status: criteria provided, conflicting classifications (1 of 4 stars). 3 submissions from 3 submitters: Uncertain significance (1); Likely benign (2). Last evaluated 2026-02-02.

Conditions:
Hereditary cancer-predisposing syndrome. Also called: Tumor predisposition; Neoplastic Syndromes, Hereditary; Hereditary Cancer Syndrome; Hereditary neoplastic syndrome. Identifiers: Orphanet 140162, MedGen C0027672, MeSH D009386, MONDO:0015356.
Hereditary breast ovarian cancer syndrome. Also called: Hereditary breast and ovarian cancer syndrome (HBOC); BRCA1- and BRCA2-Associated Hereditary Breast and Ovarian Cancer; Hereditary breast and ovarian cancer; Hereditary breast and/or ovarian cancer syndrome; Breast and ovarian cancer; Hereditary breast and ovarian cancer syndrome. Identifiers: Orphanet 145, MedGen C0677776, MeSH D061325, MONDO:0003582. Disease mechanism: loss of function.

Submissions (3):

Ambry Genetics
Classification: Likely benign for Hereditary cancer-predisposing syndrome. Last evaluated: 2026-02-02. Review status: criteria provided, single submitter. Criteria: Ambry Variant Classification Scheme 2023. Collection method: clinical testing. Allele origin: germline.

Quest Diagnostics Nichols Institute San Juan Capistrano
Classification: Uncertain significance. Last evaluated: 2025-06-13. Review status: criteria provided, single submitter. Criteria: Quest Diagnostics criteria. Collection method: clinical testing. Allele origin: unknown.
Comment: The BRCA2 c.5364C>A (p.Ser1788=) synonymous variant has not been reported in individuals with BRCA2-related conditions in the published literature. It also has not been reported in large, multi-ethnic general populations (Genome Aggregation Database). Analysis of this variant using software algorithms for the prediction of the effect of nucleotide changes on splicing yielded predictions that this variant does not affect BRCA2 mRNA splicing. Based on the available information, we are unable to determine the clinical significance of this variant.

Labcorp Genetics (formerly Invitae), Labcorp
Classification: Likely benign for Hereditary breast ovarian cancer syndrome. Last evaluated: 2019-04-08. Review status: criteria provided, single submitter. Criteria: Invitae Variant Classification Sherloc (09022015). Collection method: clinical testing. Allele origin: germline.